The following is an entry in ClinVar:

ClinVar aggregate classification (germline): Uncertain significance (1 of 4 stars; one submission).

Conditions:
Developmental and epileptic encephalopathy. Identifiers: MedGen C5779964, MONDO:0100620.

Submission:

Labcorp Genetics (formerly Invitae), Labcorp
Classification: Uncertain significance for Early-infantile DEE. Last evaluated: 2021-06-21. Review status: criteria provided, single submitter. Criteria: Invitae Variant Classification Sherloc (09022015). Collection method: clinical testing. Allele origin: germline.
Comment: This variant results in a copy number gain of the genomic region encompassing exon(s) 2-8 of the HCN1 gene. The 5' boundary is likely confined to intron 1. The 3' end of this event is unknown as it extends beyond the assayed region for this gene and therefore may encompass additional genes. As the precise location of this event is unknown, it may be in tandem or it may be located elsewhere in the genome. In summary, the available evidence is currently insufficient to determine the role of this variant in disease. Therefore, it has been classified as a Variant of Uncertain Significance. Experimental studies and prediction algorithms are not available or were not evaluated, and the functional significance of this variant is currently unknown. This variant has been observed in one or more individuals who were not affected with HCN1-related conditions (Invitae).

NC_000005.9:g.(?_45262023)_(45645730_?)dup

Gene: HCN1 (hyperpolarization activated cyclic nucleotide gated potassium channel 1; minus strand). Cytogenetic location: 5p12.
Variant type: Duplication.
Identifiers: ClinVar variation 1412276 (VCV001412276.5).